The following is an entry in ClinVar:

NM_001035.3(RYR2):c.7091C>G (p.Pro2364Arg)

Gene: RYR2 (ryanodine receptor 2; plus strand). Cytogenetic location: 1q43.
Variant type: single nucleotide variant.
Coding change: c.7091C>G on transcript NM_001035.3 (MANE Select); coding-DNA position 7091, C replaced by G.
Protein change: p.Pro2364Arg; replaces proline 2364 with arginine.
Molecular consequence: missense variant.
Genome position (GRCh38, 1-based): chr1:237,639,177, C>G. VCF-style: chr1-237639177-C-G. GRCh37 (hg19) VCF-style: chr1-237802477-C-G.
Other names: short protein forms P2364R.
Identifiers: ClinVar variation 2454021 (VCV002454021.2), dbSNP rs771170452, ClinGen allele CA087277.
Genomic context (GRCh38, chr1:237,639,177, plus strand): 5'-TTGCAGCAATGGAAGAAGCCATCAAAATCGCCGAGGATCCTTCCCGAGATGGTCCCTCAC[C>G]AAATAGCGGATCCAGTAAAACACTGTAGGTCTAATATACACACCCTCACGAGTGATCCAT-3'
Protein context (NP_001026.2, residues 2354-2374): AEDPSRDGPS[Pro2364Arg]NSGSSKTLDT

ClinVar aggregate classification (germline): Uncertain significance (1 of 4 stars; one submission).

Conditions:
Cardiovascular phenotype. Identifiers: MedGen CN230736.

Allele frequency attached by ClinVar (database versions not stated): gnomAD exomes below 0.00001; ExAC 0.00002.
gnomAD v4.1: 1 of 1,613,426 alleles (0.000062%); highest among the groups gnomAD compares: African/African-American, 0.0013%; no homozygotes.

Submission:

Ambry Genetics
Classification: Uncertain significance for Cardiovascular phenotype. Last evaluated: 2023-02-13. Review status: criteria provided, single submitter. Criteria: Ambry Variant Classification Scheme 2023. Collection method: clinical testing. Allele origin: germline.
Comment: The p.P2364R variant (also known as c.7091C>G), located in coding exon 46 of the RYR2 gene, results from a C to G substitution at nucleotide position 7091. The proline at codon 2364 is replaced by arginine, an amino acid with dissimilar properties. This amino acid position is highly conserved in available vertebrate species. In addition, this alteration is predicted to be deleterious by in silico analysis. Since supporting evidence is limited at this time, the clinical significance of this alteration remains unclear.